The following is an entry in ClinVar:

ClinVar aggregate classification (germline): Likely pathogenic. Review status: criteria provided, multiple submitters, no conflicts (2 of 4 stars). 2 submissions from 2 submitters: Likely pathogenic (2). Last evaluated 2025-03-04.

Conditions:
Hereditary diffuse gastric adenocarcinoma (HDGC). Also called: DIFFUSE GASTRIC AND LOBULAR BREAST CANCER SYNDROME. Identifiers: Orphanet 26106, MedGen C1708349, MONDO:0007648, OMIM 137215.

Submissions (2):

Center for Genomic Medicine, Rigshospitalet, Copenhagen University Hospital
Classification: Likely pathogenic. Last evaluated: 2025-03-04. Review status: criteria provided, single submitter. Criteria: ACMG Guidelines, 2015. Collection method: clinical testing. Allele origin: germline.
Comment: Classification criteria: PVS1_strong, PM2_supporting, PP3

Myriad Genetics, Inc.
Classification: Likely pathogenic for Hereditary diffuse gastric adenocarcinoma. Last evaluated: 2023-06-08. Review status: criteria provided, single submitter. Criteria: Myriad Autosomal Dominant, Autosomal Recessive and X-Linked Classification Criteria (2023). Collection method: clinical testing. Allele origin: unknown.
Comment: This variant is considered likely pathogenic. This variant occurs within a consensus splice junction and is predicted to result in abnormal mRNA splicing of either an out-of-frame exon or an in-frame exon necessary for protein stability and/or normal function.

NM_004360.5(CDH1):c.152_163+11del

Gene: CDH1 (cadherin 1; plus strand). Cytogenetic location: 16q22.1.
Variant type: Deletion.
Coding change: c.152_163+11del on transcript NM_004360.5 (MANE Select); coding-DNA position 152 through 11 bases into the intron after coding-DNA position 163, 23 bases deleted (TCCTGGGCAGAGGTGAGGGCGCG).
Molecular consequence: splice donor variant.
Genome position (GRCh38, 1-based): chr16:68,738,400-68,738,422, TCCTGGGCAGAGGTGAGGGCGCG deleted; deleting any 23 consecutive bases within chr16:68,738,396-68,738,422 gives the same sequence; the c. name uses the placement nearest the transcript's 3' end. VCF-style (leftmost placement, unchanged base first): chr16-68738395-CCGCGTCCTGGGCAGAGGTGAGGG-C. GRCh37 (hg19) VCF-style: chr16-68772298-CCGCGTCCTGGGCAGAGGTGAGGG-C.
Other names: c.-1464_-1453+11del (NM_001317185.2); c.-1668_-1657+11del (NM_001317186.2); c.152_163+11del (NM_001317184.2).
Identifiers: ClinVar variation 2583796 (VCV002583796.3), dbSNP rs2543817254, ClinGen allele CA2582342547.